The following is an entry in ClinVar:

NM_000219.6(KCNE1):c.7C>G (p.Leu3Val)

Gene: KCNE1 (potassium voltage-gated channel subfamily E regulatory subunit 1; minus strand). Cytogenetic location: 21q22.12.
Variant type: single nucleotide variant.
Coding change: c.7C>G on transcript NM_000219.6 (MANE Select); coding-DNA position 7, C replaced by G.
Protein change: p.Leu3Val; replaces leucine 3 with valine.
Molecular consequence: missense variant.
Genome position (GRCh38, 1-based): chr21:34,449,628, G>C on the plus strand (C>G on the coding strand, the complement: KCNE1 is on the minus strand). VCF-style: chr21-34449628-G-C. GRCh37 (hg19) VCF-style: chr21-35821926-G-C.
Other names: c.7C>G, p.Leu3Val (NM_001127668.4, NM_001127669.4, NM_001127670.4 and 4 more transcripts); short protein forms L3V.
Identifiers: ClinVar variation 3373963 (VCV003373963.3).
Genomic context (GRCh38, chr21:34,449,628, plus strand): 5'-GCTGAACTGTCTCCTGCCACAGCTTGGTCAGAAAGGGCGTCACCGCTGTGGTGTTAGACA[G>C]GATCATCCTGGGCATTAAGGTTCCACTGCTGCAGCTCAAACTTCCCAGGCACACCTCTTA-3'
Protein context (NP_000210.2, residues 1-13): MI[Leu3Val]SNTTAVTPFL

ClinVar aggregate classification (germline): Uncertain significance (1 of 4 stars; one submission).

Submissions (2):

GeneDx
Classification: Uncertain significance. Last evaluated: 2025-08-09. Review status: criteria provided, single submitter. Criteria: GeneDx Variant Classification Process June 2021. Collection method: clinical testing. Allele origin: germline. Affected: yes.
Comment: Published functional studies demonstrate no damaging effect, but additional studies are required (PMID: 38816749); Not observed at significant frequency in large population cohorts (gnomAD); In silico analysis suggests that this missense variant does not alter protein structure/function; This variant is associated with the following publications: (PMID: 38816749)

Roden Lab, Vanderbilt University Medical Center
No classification provided (evidence only). Condition: Long QT syndrome 5. Review status: no classification provided. Collection method: in vitro. Allele origin: not applicable. Functional consequence: Effect on ion channel function. Not counted in ClinVar's aggregate classification.
ClinVar note: "not provided" was previously submitted as the classification for the variant. However, the classification appeared to be based only on an observation of functional data so it was converted to no classification on 2025-07-30.